The following is an entry in ClinVar:

NM_024426.6(WT1):c.150del (p.Ala51fs)

Genes: WT1 (WT1 transcription factor; minus strand), LOC107982234 (WT1/WT1-AS bi-directional promoter region; plus strand). Cytogenetic location: 11p13.
Variant type: Deletion.
Coding change: c.150del on transcript NM_024426.6 (MANE Select); coding-DNA position 150, one base deleted (C; older notation c.150delC).
Protein change: p.Ala51fs; shifts the reading frame from alanine 51.
Molecular consequence: frameshift variant. On other transcripts: non-coding transcript variant (1).
Genome position (GRCh38, 1-based): chr11:32,435,211, G deleted on the plus strand (C on the coding strand, the reverse complement: WT1 is on the minus strand); the first of 2 consecutive G bases (chr11:32,435,211-32,435,212); deleting either gives the same sequence. VCF-style (leftmost placement, unchanged base first): chr11-32435210-CG-C. GRCh37 (hg19) VCF-style: chr11-32456756-CG-C.
Other names: c.150del, p.Ala51fs (NM_000378.6, NM_024424.5); short protein forms A51fs.
Identifiers: ClinVar variation 1061229 (VCV001061229.9), dbSNP rs2133106747, ClinGen allele CA2499220931.

ClinVar aggregate classification (germline): Uncertain significance (1 of 4 stars; one submission).

Conditions:
Drash syndrome (DDS). Also called: NEPHROPATHY, WILMS TUMOR, AND GENITAL ANOMALIES; WILMS TUMOR AND PSEUDO- OR TRUE HERMAPHRODITISM. Identifiers: Orphanet 220, MedGen C0950121, MONDO:0008682, OMIM 194080.
Frasier syndrome. Identifiers: Orphanet 347, MedGen C0950122, MeSH D052159, MONDO:0007635, OMIM 136680.
Wilms tumor 1 (WT1). Also called: Wilms tumor, somatic. Identifiers: Orphanet 654, MedGen CN033288, MONDO:0008679, OMIM 194070.
11p partial monosomy syndrome (WAGR). Also called: CHROMOSOME 11p13 DELETION SYNDROME; WAGR Spectrum Disorder; WAGR Complex; WAGR syndrome. Identifiers: Orphanet 893, MedGen C0206115, MONDO:0008681, OMIM 194072.

Submission:

Labcorp Genetics (formerly Invitae), Labcorp
Classification: Uncertain significance for Wilms tumor 1; Drash syndrome; 11p partial monosomy syndrome; Frasier syndrome. Last evaluated: 2020-09-11. Review status: criteria provided, single submitter. Criteria: Invitae Variant Classification Sherloc (09022015). Collection method: clinical testing. Allele origin: germline.
Comment: This variant has not been reported in the literature in individuals with WT1-related conditions. The frequency data for this variant in the population databases is considered unreliable, as metrics indicate insufficient coverage at this position in the ExAC database. This sequence change creates a premature translational stop signal (p.Ala46Profs*31) in the WT gene. However, it is currently unclear if variants that occur in this region of the gene cause disease. In summary, the available evidence is currently insufficient to determine the role of this variant in disease. Therefore, it has been classified as a Variant of Uncertain Significance. Downstream of the non-canonical translation start site (CTG) at codon 1, the nearest methionine codon that can be used to initiate translation of the WT1 protein lies at codon 69. This downstream in-frame ATG is known as a major initiation site (PMID: 28811308, 16987884, 8621495). The functional significance of the different WT1 protein isoforms is unknown (PMID: 8621495), however mice lacking the N-terminal 68 amino acids develop normally and are fertile (PMID: 12640141). Based on these results, the impact of this variant on WT1 protein function is uncertain.

Literature cited by the submitters: PubMed 28811308; PubMed 16987884; PubMed 8621495; PubMed 12640141.